The following is an entry in ClinVar:

NM_002470.4(MYH3):c.2768T>C (p.Val923Ala)

Gene: MYH3 (myosin heavy chain 3; minus strand). Cytogenetic location: 17p13.1.
Variant type: single nucleotide variant.
Coding change: c.2768T>C on transcript NM_002470.4 (MANE Select); coding-DNA position 2768, T replaced by C.
Protein change: p.Val923Ala; replaces valine 923 with alanine.
Molecular consequence: missense variant.
Genome position (GRCh38, 1-based): chr17:10,639,717, A>G on the plus strand (T>C on the coding strand, the complement: MYH3 is on the minus strand). VCF-style: chr17-10639717-A-G. GRCh37 (hg19) VCF-style: chr17-10543034-A-G.
Other names: short protein forms V923A.
Identifiers: ClinVar variation 2630061 (VCV002630061.1), dbSNP rs2074250489, ClinGen allele CA398160061.
Genomic context (GRCh38, chr17:10,639,717, plus strand): 5'-TTCCTCTTCTTGGCCGTCAGCTCAGCATTGATCTCCTCCTCATCTTCAGCTCTCTCTGTC[A>G]CCTCCTTGATCTTGGCCTCGAGCTGGAATTTGGCTTTGATCAGCTGATCGCATCTTTCCT-3'
Protein context (NP_002461.2, residues 913-933): KFQLEAKIKE[Val923Ala]TERAEDEEEI

ClinVar aggregate classification (germline): Uncertain significance (1 of 4 stars; one submission).

Conditions:
MYH3-related disorder. Also called: MYH3-related condition; MYH3-Related Disorders. Identifiers: MedGen CN239329.

Allele frequency attached by ClinVar (database versions not stated): TOPMed below 0.00001.

Submission:

PreventionGenetics, part of Exact Sciences
Classification: Uncertain significance for MYH3-related condition. Last evaluated: 2022-12-29. Review status: criteria provided, single submitter. Criteria: ACMG Guidelines, 2015. Collection method: clinical testing. Allele origin: germline.
Comment: The MYH3 c.2768T>C variant is predicted to result in the amino acid substitution p.Val923Ala. To our knowledge, this variant has not been reported in the literature or in a large population database, indicating this variant is rare. At this time, the clinical significance of this variant is uncertain due to the absence of conclusive functional and genetic evidence.